The following is an entry in ClinVar:

ClinVar aggregate classification (germline): Benign/Likely benign. Review status: criteria provided, multiple submitters, no conflicts (2 of 4 stars). 4 submissions from 4 submitters: Benign (1); Likely benign (2). 1 of the submissions does not count toward it. Last evaluated 2025-07-16.

Conditions:
Hereditary cancer-predisposing syndrome. Also called: Neoplastic Syndromes, Hereditary; Tumor predisposition; Hereditary neoplastic syndrome; Hereditary Cancer Syndrome. Identifiers: Orphanet 140162, MedGen C0027672, MeSH D009386, MONDO:0015356.
HOXB13-related disorder. Also called: HOXB13-related condition; HOXB13-related disorders.
Prostate cancer, hereditary, 9 (HPC9). Identifiers: Orphanet 1331, MedGen C1970250, MONDO:0012597, OMIM 610997.

Allele frequency attached by ClinVar (database versions not stated): gnomAD exomes below 0.00001.

Submissions (4):

Labcorp Genetics (formerly Invitae), Labcorp
Classification: Likely benign. Last evaluated: 2025-07-16. Review status: criteria provided, single submitter. Criteria: Invitae Variant Classification Sherloc (09022015). Collection method: clinical testing. Allele origin: germline.

Myriad Genetics, Inc.
Classification: Benign for Prostate cancer, hereditary, 9. Last evaluated: 2024-10-29. Review status: criteria provided, single submitter. Criteria: Myriad Autosomal Dominant, Autosomal Recessive and X-Linked Classification Criteria (2023). Collection method: clinical testing. Allele origin: unknown.
Comment: This variant is considered benign. This variant is a silent/synonymous amino acid change and it is not expected to impact splicing.

Ambry Genetics
Classification: Likely benign for Hereditary cancer-predisposing syndrome. Last evaluated: 2018-12-12. Review status: criteria provided, single submitter. Criteria: Ambry Variant Classification Scheme 2023. Collection method: clinical testing. Allele origin: germline.

PreventionGenetics, part of Exact Sciences
Classification: Likely benign for HOXB13-related condition. Last evaluated: 2023-10-05. Review status: no assertion criteria provided. Collection method: clinical testing. Allele origin: germline. Not counted in ClinVar's aggregate classification.
Comment: This variant is classified as likely benign based on ACMG/AMP sequence variant interpretation guidelines (Richards et al. 2015 PMID: 25741868, with internal and published modifications).

NM_006361.6(HOXB13):c.384C>T (p.Ala128=)

Gene: HOXB13 (homeobox B13; minus strand). Cytogenetic location: 17q21.32.
Variant type: single nucleotide variant.
Coding change: c.384C>T on transcript NM_006361.6 (MANE Select); coding-DNA position 384, C replaced by T.
Protein change: p.Ala128=; no amino-acid change (alanine 128 retained).
Molecular consequence: synonymous variant.
Genome position (GRCh38, 1-based): chr17:48,728,210, G>A on the plus strand (C>T on the coding strand, the complement: HOXB13 is on the minus strand). VCF-style: chr17-48728210-G-A. GRCh37 (hg19) VCF-style: chr17-46805572-G-A.
Identifiers: ClinVar variation 824296 (VCV000824296.16), dbSNP rs1445231138, ClinGen allele CA500661831.
Genomic context (GRCh38, chr17:48,728,210, plus strand): 5'-CACAGACACGTCCAGGTAACTGGCCATAGGCTGGTAGGTTCCCGGATATCCCGGATAGAA[G>A]GCAAACTCAGTGGGGCGGCTGGGGTACTCTTCCCCGGCCGTGGGAGTCTCCGCGGGGTAC-3'
Protein context (NP_006352.2, residues 118-138): EEYPSRPTEF[Ala128=]FYPGYPGTYQ